The following is an entry in ClinVar:

NM_016151.4(TAOK2):c.1769G>T (p.Arg590Leu)

Gene: TAOK2 (TAO kinase 2; plus strand). Cytogenetic location: 16p11.2.
Variant type: single nucleotide variant.
Coding change: c.1769G>T on transcript NM_016151.4 (MANE Select); coding-DNA position 1769, G replaced by T.
Protein change: p.Arg590Leu; replaces arginine 590 with leucine.
Molecular consequence: missense variant.
Genome position (GRCh38, 1-based): chr16:29,985,559, G>T. VCF-style: chr16-29985559-G-T. GRCh37 (hg19) VCF-style: chr16-29996880-G-T.
Other names: c.1769G>T, p.Arg590Leu (NM_001252043.2, NM_004783.4); short protein forms R590L.
Identifiers: ClinVar variation 1370908 (VCV001370908.6), dbSNP rs770907647, ClinGen allele CA395487171.

ClinVar aggregate classification (germline): Uncertain significance (1 of 4 stars; one submission).

gnomAD v4.1: 2 of 1,602,230 alleles (0.00012%); highest among the groups gnomAD compares: African/African-American, 0.0013%; no homozygotes.

Submission:

Labcorp Genetics (formerly Invitae), Labcorp
Classification: Uncertain significance. Last evaluated: 2022-07-05. Review status: criteria provided, single submitter. Criteria: Invitae Variant Classification Sherloc (09022015). Collection method: clinical testing. Allele origin: germline.
Comment: This sequence change replaces arginine, which is basic and polar, with leucine, which is neutral and non-polar, at codon 590 of the TAOK2 protein (p.Arg590Leu). In summary, the available evidence is currently insufficient to determine the role of this variant in disease. Therefore, it has been classified as a Variant of Uncertain Significance. Algorithms developed to predict the effect of missense changes on protein structure and function are either unavailable or do not agree on the potential impact of this missense change (SIFT: "Deleterious"; PolyPhen-2: "Possibly Damaging"; Align-GVGD: "Class C15"). ClinVar contains an entry for this variant (Variation ID: 1370908). This variant has not been reported in the literature in individuals affected with TAOK2-related conditions. This variant is not present in population databases (gnomAD no frequency).